The following is an entry in ClinVar:

NM_004544.4(NDUFA10):c.461-12A>G

Gene: NDUFA10 (NADH:ubiquinone oxidoreductase subunit A10; minus strand). Cytogenetic location: 2q37.3.
Variant type: single nucleotide variant.
Coding change: c.461-12A>G on transcript NM_004544.4 (MANE Select); 12 bases into the intron before coding-DNA position 461, A replaced by G.
Molecular consequence: intron variant.
Genome position (GRCh38, 1-based): chr2:240,018,651, T>C on the plus strand (A>G on the coding strand, the complement: NDUFA10 is on the minus strand). VCF-style: chr2-240018651-T-C. GRCh37 (hg19) VCF-style: chr2-240958068-T-C.
Other names: c.461-12A>G (NM_001322020.2, NM_001322019.2).
Identifiers: ClinVar variation 506865 (VCV000506865.8), dbSNP rs372439113, ClinGen allele CA2201040.
Genomic context (GRCh38, chr2:240,018,651, plus strand): 5'-AGGAACACAAAGTCACTGAAGATGGAGCGCTCCAACACAACACCTTGTCCTGTTTAAACA[T>C]AGGCAAACAGAAATTGAAAATCAGACAGATAGCAAAGCACTGTCAACTGATCACTGCATT-3'

ClinVar aggregate classification (germline): Likely benign. Review status: criteria provided, multiple submitters, no conflicts (2 of 4 stars). 2 submissions from 2 submitters: Likely benign (2). Last evaluated 2025-02-15.

Allele frequency attached by ClinVar (database versions not stated): TOPMed 0.00005; gnomAD 0.00006; ExAC 0.00008; gnomAD exomes 0.00008; ESP Exome Variant Server 0.00015.
gnomAD v4.1: 75 of 1,613,338 alleles (0.0046%); highest among the groups gnomAD compares: South Asian, 0.019%; no homozygotes.

Submissions (2):

Labcorp Genetics (formerly Invitae), Labcorp
Classification: Likely benign. Last evaluated: 2025-02-15. Review status: criteria provided, single submitter. Criteria: Invitae Variant Classification Sherloc (09022015). Collection method: clinical testing. Allele origin: germline.

GeneDx
Classification: Likely benign. Last evaluated: 2017-01-26. Review status: criteria provided, single submitter. Criteria: GeneDx Variant Classification (06012015). Collection method: clinical testing. Allele origin: germline. Affected: yes.
Comment: This variant is considered likely benign or benign based on one or more of the following criteria: it is a conservative change, it occurs at a poorly conserved position in the protein, it is predicted to be benign by multiple in silico algorithms, and/or has population frequency not consistent with disease.